The following is an entry in ClinVar:

ClinVar aggregate classification (germline): Uncertain significance. Review status: criteria provided, multiple submitters, no conflicts (2 of 4 stars). 2 submissions from 2 submitters: Uncertain significance (2). Last evaluated 2025-05-06.

Allele frequency attached by ClinVar (database versions not stated): TOPMed below 0.00001; ExAC 0.00001; gnomAD 0.00001; gnomAD exomes 0.00001 and 0.00002.

Submissions (2):

Ambry Genetics
Classification: Uncertain significance. Last evaluated: 2025-05-06. Review status: criteria provided, single submitter. Criteria: Ambry Variant Classification Scheme 2023. Collection method: clinical testing. Allele origin: germline.

Labcorp Genetics (formerly Invitae), Labcorp
Classification: Uncertain significance. Last evaluated: 2020-11-24. Review status: criteria provided, single submitter. Criteria: Invitae Variant Classification Sherloc (09022015). Collection method: clinical testing. Allele origin: germline.
Comment: This variant has not been reported in the literature in individuals with SNIP1-related conditions. This variant is present in population databases (rs755481425, ExAC 0.006%). This sequence change replaces arginine with histidine at codon 287 of the SNIP1 protein (p.Arg287His). The arginine residue is highly conserved and there is a small physicochemical difference between arginine and histidine. Algorithms developed to predict the effect of missense changes on protein structure and function are either unavailable or do not agree on the potential impact of this missense change (SIFT: "Tolerated"; PolyPhen-2: "Possibly Damaging"; Align-GVGD: "Class C0"). In summary, the available evidence is currently insufficient to determine the role of this variant in disease. Therefore, it has been classified as a Variant of Uncertain Significance.

NM_024700.4(SNIP1):c.860G>A (p.Arg287His)

Genes: SNIP1 (Smad nuclear interacting protein 1; minus strand), LOC126805704 (BRD4-independent group 4 enhancer GRCh37_chr1:38005292-38006491; plus strand). Cytogenetic location: 1p34.3.
Variant type: single nucleotide variant.
Coding change: c.860G>A on transcript NM_024700.4 (MANE Select); coding-DNA position 860, G replaced by A.
Protein change: p.Arg287His; replaces arginine 287 with histidine.
Molecular consequence: missense variant.
Genome position (GRCh38, 1-based): chr1:37,540,223, C>T on the plus strand (G>A on the coding strand, the complement: SNIP1 is on the minus strand). VCF-style: chr1-37540223-C-T. GRCh37 (hg19) VCF-style: chr1-38005824-C-T.
Other names: c.860G>A (NM_024700.2); short protein forms R287H.
Identifiers: ClinVar variation 1365989 (VCV001365989.9), dbSNP rs755481425, ClinGen allele CA771263.
Genomic context (GRCh38, chr1:37,540,223, plus strand): 5'-TGAAAGACCGCATGCTGCTTTGAACAAGACGGGTGATCAATTGGAATGTCTGCAATGCGG[C>T]GGTGTCGACCCAGTAGGTACGCACTCTGTCGATGTATGTACATGACTGGAAGCACCTCAT-3'
Protein context (NP_078976.2, residues 277-297): RQSAYLLGRH[Arg287His]RIADIPIDHP